The following is an entry in ClinVar:

ClinVar aggregate classification (germline): Uncertain significance (1 of 4 stars; one submission).

Allele frequency attached by ClinVar (database versions not stated): gnomAD 0.00001; TOPMed 0.00001.
gnomAD v4.1: 2 of 1,613,824 alleles (0.00012%); highest among the groups gnomAD compares: Admixed American, 0.0033%; no homozygotes.

Submission:

Ambry Genetics
Classification: Uncertain significance. Last evaluated: 2023-07-28. Review status: criteria provided, single submitter. Criteria: Ambry Variant Classification Scheme 2023. Collection method: clinical testing. Allele origin: germline.
Comment: The p.H1389D variant (also known as c.4165C>G), located in coding exon 16 of the POLQ gene, results from a C to G substitution at nucleotide position 4165. The histidine at codon 1389 is replaced by aspartic acid, an amino acid with similar properties. This amino acid position is conserved. In addition, this alteration is predicted to be tolerated by in silico analysis. Since supporting evidence is limited at this time, the clinical significance of this alteration remains unclear.

NM_199420.4(POLQ):c.4165C>G (p.His1389Asp)

Gene: POLQ (DNA polymerase theta; minus strand). Cytogenetic location: 3q13.33.
Variant type: single nucleotide variant.
Coding change: c.4165C>G on transcript NM_199420.4 (MANE Select); coding-DNA position 4165, C replaced by G.
Protein change: p.His1389Asp; replaces histidine 1389 with aspartic acid.
Molecular consequence: missense variant.
Genome position (GRCh38, 1-based): chr3:121,488,766, G>C on the plus strand (C>G on the coding strand, the complement: POLQ is on the minus strand). VCF-style: chr3-121488766-G-C. GRCh37 (hg19) VCF-style: chr3-121207613-G-C.
Other names: short protein forms H1389D.
Identifiers: ClinVar variation 2624470 (VCV002624470.2), dbSNP rs1229639472, ClinGen allele CA354095926.